The following is an entry in ClinVar:

NM_003124.5(SPR):c.524C>A (p.Ala175Asp)

Gene: SPR (sepiapterin reductase; plus strand). Cytogenetic location: 2p13.2.
Variant type: single nucleotide variant.
Coding change: c.524C>A on transcript NM_003124.5 (MANE Select); coding-DNA position 524, C replaced by A.
Protein change: p.Ala175Asp; replaces alanine 175 with aspartic acid.
Molecular consequence: missense variant.
Genome position (GRCh38, 1-based): chr2:72,888,533, C>A. VCF-style: chr2-72888533-C-A. GRCh37 (hg19) VCF-style: chr2-73115662-C-A.
Other names: short protein forms A175D.
Identifiers: ClinVar variation 807499 (VCV000807499.10), dbSNP rs1453510719, ClinGen allele CA347231962.

ClinVar aggregate classification (germline): Conflicting classifications of pathogenicity. Review status: criteria provided, conflicting classifications (1 of 4 stars). 3 submissions from 3 submitters: Likely pathogenic (1); Uncertain significance (2). Last evaluated 2025-06-06.

Conditions:
Dopa-responsive dystonia due to sepiapterin reductase deficiency. Also called: DYT-SPR; SPR DEFICIENCY; Sepiapterin reductase deficiency. Identifiers: Orphanet 70594, MedGen C0268468, MONDO:0012994, OMIM 612716.
Dystonic disorder. Also called: Dystonia. Identifiers: MedGen C0013421, MONDO:0003441, HP:0001332.

Allele frequency attached by ClinVar (database versions not stated): gnomAD exomes 0.00002 and 0.00004; gnomAD 0.00006.

Submissions (3):

Women's Health and Genetics/Laboratory Corporation of America, LabCorp
Classification: Uncertain significance. Last evaluated: 2025-06-06. Review status: criteria provided, single submitter. Criteria: LabCorp Variant Classification Summary - May 2015. Collection method: clinical testing. Allele origin: germline.
Comment: Variant summary: SPR c.524C>A (p.Ala175Asp) results in a non-conservative amino acid change in the encoded protein sequence. Algorithms developed to predict the effect of missense changes on protein structure and function all suggest that this variant is likely to be disruptive. The variant allele was found at a frequency of 2.1e-05 in 242556 control chromosomes. c.524C>A has been observed in at least one homozygous individual affected with Sepiapterin Reductase Deficiency (e.g. Zech_20202, Gundorova_2021, Dzinovic_2022). These data indicate that the variant may be associated with disease. To our knowledge, no experimental evidence demonstrating an impact on protein function has been reported. The following publications have been ascertained in the context of this evaluation (PMID: 35872528, 33822819, 33098801). ClinVar contains an entry for this variant (Variation ID: 807499). Based on the evidence outlined above, the variant was classified as VUS-possibly pathogenic.

Labcorp Genetics (formerly Invitae), Labcorp
Classification: Uncertain significance for Dystonic disorder. Last evaluated: 2024-04-10. Review status: criteria provided, single submitter. Criteria: Invitae Variant Classification Sherloc (09022015). Collection method: clinical testing. Allele origin: germline.
Comment: This sequence change replaces alanine, which is neutral and non-polar, with aspartic acid, which is acidic and polar, at codon 175 of the SPR protein (p.Ala175Asp). This variant is present in population databases (no rsID available, gnomAD 0.008%). This missense change has been observed in individual(s) with clinical features of SPR-related conditions (PMID: 33098801, 33822819, 35872528). ClinVar contains an entry for this variant (Variation ID: 807499). Advanced modeling of protein sequence and biophysical properties (such as structural, functional, and spatial information, amino acid conservation, physicochemical variation, residue mobility, and thermodynamic stability) performed at Invitae indicates that this missense variant is expected to disrupt SPR protein function with a positive predictive value of 80%. In summary, the available evidence is currently insufficient to determine the role of this variant in disease. Therefore, it has been classified as a Variant of Uncertain Significance.

Institute of Human Genetics Munich, TUM University Hospital
Classification: Likely pathogenic for Dopa-responsive dystonia due to sepiapterin reductase deficiency. Last evaluated: 2018-12-07. Review status: criteria provided, single submitter. Criteria: Classification criteria August 2017. Collection method: clinical testing. Allele origin: inherited. Inheritance: Autosomal recessive inheritance. Affected: yes. Observed: 2 homozygotes.

Literature cited by the submitters: PubMed 33822819 (cited by Women's Health and Genetics/Laboratory Corporation of America, LabCorp and Labcorp Genetics (formerly Invitae), Labcorp); PubMed 33098801 (cited by Women's Health and Genetics/Laboratory Corporation of America, LabCorp and Labcorp Genetics (formerly Invitae), Labcorp); PubMed 35872528 (cited by Women's Health and Genetics/Laboratory Corporation of America, LabCorp and Labcorp Genetics (formerly Invitae), Labcorp).